The following is an entry in ClinVar:

ClinVar aggregate classification (germline): Conflicting classifications of pathogenicity. Review status: criteria provided, conflicting classifications (1 of 4 stars). 2 submissions from 2 submitters: Uncertain significance (1); Likely benign (1). Last evaluated 2026-07-01.

Conditions:
Inborn genetic diseases. Identifiers: MedGen C0950123, MeSH D030342.

gnomAD v4.1: 17 of 1,209,937 alleles (0.0014%); highest among the groups gnomAD compares: East Asian, 0.003%; no homozygotes.

Submissions (2):

CeGaT Center for Human Genetics Tuebingen
Classification: Likely benign. Last evaluated: 2026-07-01. Review status: criteria provided, single submitter. Criteria: CeGaT Center For Human Genetics Tuebingen Variant Classification Criteria Version 2. Collection method: clinical testing. Allele origin: germline. Affected: yes. Observed: 1 variant allele.
Comment: ZMYM3: PP2, BS2

Ambry Genetics
Classification: Uncertain significance for Inborn genetic diseases. Last evaluated: 2026-05-26. Review status: criteria provided, single submitter. Criteria: Ambry Variant Classification Scheme 2023. Collection method: clinical testing. Allele origin: germline.

NM_201599.3(ZMYM3):c.1547G>A (p.Arg516His)

Gene: ZMYM3 (zinc finger MYM-type containing 3; minus strand). Cytogenetic location: Xq13.1.
Variant type: single nucleotide variant.
Coding change: c.1547G>A on transcript NM_201599.3 (MANE Select); coding-DNA position 1547, G replaced by A.
Protein change: p.Arg516His; replaces arginine 516 with histidine.
Molecular consequence: missense variant.
Genome position (GRCh38, 1-based): chrX:71,249,093, C>T on the plus strand (G>A on the coding strand, the complement: ZMYM3 is on the minus strand). VCF-style: chrX-71249093-C-T. GRCh37 (hg19) VCF-style: chrX-70468943-C-T.
Other names: c.1547G>A, p.Arg516His (NM_001171162.1, NM_005096.3); short protein forms R516H.
Identifiers: ClinVar variation 4866912 (VCV004866912.2).